The following is an entry in ClinVar:

ClinVar aggregate classification (germline): Uncertain significance. Review status: criteria provided, multiple submitters, no conflicts (2 of 4 stars). 3 submissions from 3 submitters: Uncertain significance (3). Last evaluated 2026-01-22.

Conditions:
Oligodontia-cancer predisposition syndrome. Also called: TOOTH AGENESIS-COLORECTAL CANCER SYNDROME. Identifiers: Orphanet 300576, MedGen C1837750, MONDO:0012075, OMIM 608615. Disease mechanism: loss of function.
Hereditary cancer-predisposing syndrome. Also called: Tumor predisposition; Hereditary neoplastic syndrome; Hereditary Cancer Syndrome; Neoplastic Syndromes, Hereditary. Identifiers: Orphanet 140162, MedGen C0027672, MeSH D009386, MONDO:0015356.

Submissions (3):

Ambry Genetics
Classification: Uncertain significance for Hereditary cancer-predisposing syndrome. Last evaluated: 2026-01-22. Review status: criteria provided, single submitter. Criteria: Ambry Variant Classification Scheme 2023. Collection method: clinical testing. Allele origin: germline.
Comment: The p.T419P variant (also known as c.1255A>C), located in coding exon 5 of the AXIN2 gene, results from an A to C substitution at nucleotide position 1255. The threonine at codon 419 is replaced by proline, an amino acid with highly similar properties. This amino acid position is conserved. In addition, this alteration is predicted to be tolerated by in silico analysis. Based on the available evidence, the clinical significance of this variant remains unclear.

Labcorp Genetics (formerly Invitae), Labcorp
Classification: Uncertain significance for Oligodontia-cancer predisposition syndrome. Last evaluated: 2023-11-28. Review status: criteria provided, single submitter. Criteria: Invitae Variant Classification Sherloc (09022015). Collection method: clinical testing. Allele origin: germline.
Comment: This sequence change replaces threonine, which is neutral and polar, with proline, which is neutral and non-polar, at codon 419 of the AXIN2 protein (p.Thr419Pro). This variant is not present in population databases (gnomAD no frequency). This variant has not been reported in the literature in individuals affected with AXIN2-related conditions. ClinVar contains an entry for this variant (Variation ID: 946124). Advanced modeling of protein sequence and biophysical properties (such as structural, functional, and spatial information, amino acid conservation, physicochemical variation, residue mobility, and thermodynamic stability) performed at Invitae indicates that this missense variant is not expected to disrupt AXIN2 protein function with a negative predictive value of 80%. In summary, the available evidence is currently insufficient to determine the role of this variant in disease. Therefore, it has been classified as a Variant of Uncertain Significance.

GeneDx
Classification: Uncertain significance. Last evaluated: 2023-05-19. Review status: criteria provided, single submitter. Criteria: GeneDx Variant Classification Process June 2021. Collection method: clinical testing. Allele origin: germline. Affected: yes.
Comment: Not observed at significant frequency in large population cohorts (gnomAD); In silico analysis supports that this missense variant does not alter protein structure/function; Has not been previously published as pathogenic or benign to our knowledge

NM_004655.4(AXIN2):c.1255A>C (p.Thr419Pro)

Gene: AXIN2 (axin 2; minus strand). Cytogenetic location: 17q24.1.
Variant type: single nucleotide variant.
Coding change: c.1255A>C on transcript NM_004655.4 (MANE Select); coding-DNA position 1255, A replaced by C.
Protein change: p.Thr419Pro; replaces threonine 419 with proline.
Molecular consequence: missense variant.
Genome position (GRCh38, 1-based): chr17:65,537,781, T>G on the plus strand (A>C on the coding strand, the complement: AXIN2 is on the minus strand). VCF-style: chr17-65537781-T-G. GRCh37 (hg19) VCF-style: chr17-63533899-T-G.
Other names: c.1255A>C, p.Thr419Pro (NM_001363813.1); short protein forms T419P.
Identifiers: ClinVar variation 946124 (VCV000946124.11), dbSNP rs2043961502, ClinGen allele CA400677868.